The following is an entry in ClinVar:

ClinVar aggregate classification (germline): Uncertain significance. Review status: criteria provided, multiple submitters, no conflicts (2 of 4 stars). 2 submissions from 2 submitters: Uncertain significance (2). Last evaluated 2023-10-01.

Conditions:
Hereditary insensitivity to pain with anhidrosis (CIPA). Also called: NTRK1 Congenital Insensitivity to Pain with Anhidrosis; FAMILIAL DYSAUTONOMIA, TYPE II; NEUROPATHY, CONGENITAL SENSORY, WITH ANHIDROSIS; hereditary sensory and autonomic neuropathy type 4; INSENSITIVITY TO PAIN, CONGENITAL, WITH ANHIDROSIS; HSAN Type IV. Identifiers: Orphanet 642, MedGen C0020074, MONDO:0009746, OMIM 256800.

gnomAD v4.1: 1 of 1,613,806 alleles (0.000062%); no homozygotes.

Submissions (2):

CeGaT Center for Human Genetics Tuebingen
Classification: Uncertain significance. Last evaluated: 2023-10-01. Review status: criteria provided, single submitter. Criteria: CeGaT Center For Human Genetics Tuebingen Variant Classification Criteria Version 2. Collection method: clinical testing. Allele origin: germline. Affected: yes. Observed: 1 variant allele.
Comment: NTRK1: PM2, BP4

Labcorp Genetics (formerly Invitae), Labcorp
Classification: Uncertain significance for Hereditary insensitivity to pain with anhidrosis. Last evaluated: 2022-03-25. Review status: criteria provided, single submitter. Criteria: Invitae Variant Classification Sherloc (09022015). Collection method: clinical testing. Allele origin: germline.
Comment: This sequence change replaces glycine, which is neutral and non-polar, with arginine, which is basic and polar, at codon 166 of the NTRK1 protein (p.Gly166Arg). This variant is not present in population databases (gnomAD no frequency). This variant has not been reported in the literature in individuals affected with NTRK1-related conditions. Advanced modeling of protein sequence and biophysical properties (such as structural, functional, and spatial information, amino acid conservation, physicochemical variation, residue mobility, and thermodynamic stability) performed at Invitae indicates that this missense variant is not expected to disrupt NTRK1 protein function. Algorithms developed to predict the effect of sequence changes on RNA splicing suggest that this variant may create or strengthen a splice site. In summary, the available evidence is currently insufficient to determine the role of this variant in disease. Therefore, it has been classified as a Variant of Uncertain Significance.

NM_002529.4(NTRK1):c.496G>A (p.Gly166Arg)

Gene: NTRK1 (neurotrophic receptor tyrosine kinase 1; plus strand). Cytogenetic location: 1q23.1.
Variant type: single nucleotide variant.
Coding change: c.496G>A on transcript NM_002529.4 (MANE Select); coding-DNA position 496, G replaced by A.
Protein change: p.Gly166Arg; replaces glycine 166 with arginine.
Molecular consequence: missense variant.
Genome position (GRCh38, 1-based): chr1:156,868,171, G>A. VCF-style: chr1-156868171-G-A. GRCh37 (hg19) VCF-style: chr1-156837963-G-A.
Other names: c.496G>A, p.Gly166Arg (NM_001007204.1, NM_001012331.2); c.406G>A, p.Gly136Arg (NM_001007792.1); short protein forms G136R, G166R.
Identifiers: ClinVar variation 1912719 (VCV001912719.26), dbSNP rs1571689630, ClinGen allele CA342933779.